The following is an entry in ClinVar:

NM_178526.5(SLC25A42):c.339_340delinsAA (p.Tyr114Asn)

Gene: SLC25A42 (solute carrier family 25 member 42; plus strand). Cytogenetic location: 19p13.11.
Variant type: Indel.
Coding change: c.339_340delinsAA on transcript NM_178526.5 (MANE Select); coding-DNA positions 339 to 340, GT replaced by AA.
Protein change: p.Tyr114Asn; replaces tyrosine 114 with asparagine.
Molecular consequence: missense variant.
Genome position (GRCh38, 1-based): chr19:19,105,686-19,105,687, GT replaced by AA. VCF-style: chr19-19105686-GT-AA. GRCh37 (hg19) VCF-style: chr19-19216495-GT-AA.
Other names: c.339_340delinsAA, p.Tyr114Asn (NM_001321544.2); short protein forms Y114N.
Identifiers: ClinVar variation 2008268 (VCV002008268.4), dbSNP rs2514108014, ClinGen allele CA2580096757.

ClinVar aggregate classification (germline): Uncertain significance (1 of 4 stars; one submission).

Submission:

Labcorp Genetics (formerly Invitae), Labcorp
Classification: Uncertain significance. Last evaluated: 2023-07-26. Review status: criteria provided, single submitter. Criteria: Invitae Variant Classification Sherloc (09022015). Collection method: clinical testing. Allele origin: germline.
Comment: This sequence change replaces tyrosine, which is neutral and polar, with asparagine, which is neutral and polar, at codon 114 of the SLC25A42 protein (p.Tyr114Asn). Information on the frequency of this variant in the gnomAD database is not available, as this variant may be reported differently in the database. This variant has not been reported in the literature in individuals affected with SLC25A42-related conditions. ClinVar contains an entry for this variant (Variation ID: 2008268). Experimental studies and prediction algorithms are not available or were not evaluated, and the functional significance of this variant is currently unknown. In summary, the available evidence is currently insufficient to determine the role of this variant in disease. Therefore, it has been classified as a Variant of Uncertain Significance.